The following is an entry in ClinVar:

NM_006892.4(DNMT3B):c.1838T>C (p.Val613Ala)

Gene: DNMT3B (DNA methyltransferase 3 beta; plus strand). Cytogenetic location: 20q11.21.
Variant type: single nucleotide variant.
Coding change: c.1838T>C on transcript NM_006892.4 (MANE Select); coding-DNA position 1838, T replaced by C.
Protein change: p.Val613Ala; replaces valine 613 with alanine.
Molecular consequence: missense variant.
Genome position (GRCh38, 1-based): chr20:32,800,231, T>C. VCF-style: chr20-32800231-T-C. GRCh37 (hg19) VCF-style: chr20-31388037-T-C.
Other names: c.1652T>C, p.Val551Ala (NM_001207055.2); c.1550T>C, p.Val517Ala (NM_001207056.2); c.1778T>C, p.Val593Ala (NM_175848.2, NM_175849.2); c.1814T>C, p.Val605Ala (NM_175850.3); short protein forms V551A, V613A, V605A, V517A, V593A.
Identifiers: ClinVar variation 952837 (VCV000952837.10), dbSNP rs1568857280, ClinGen allele CA408588429.

ClinVar aggregate classification (germline): Pathogenic/Likely pathogenic. Review status: criteria provided, multiple submitters, no conflicts (2 of 4 stars). 2 submissions from 2 submitters: Pathogenic (1); Likely pathogenic (1). Last evaluated 2026-03-25.

Conditions:
Centromeric instability of chromosomes 1,9 and 16 and immunodeficiency (ICF1). Also called: IMMUNE DEFICIENCY, VARIABLE, WITH CENTROMERIC INSTABILITY OF CHROMOSOMES 1, 9, AND 16; IMMUNODEFICIENCY SYNDROME, VARIABLE; Immunodeficiency-centromeric instability-facial anomalies; CENTROMERIC INSTABILITY, IMMUNODEFICIENCY SYNDROME. Identifiers: Orphanet 2268, MedGen C0398788, MONDO:0000133.
Immunodeficiency-centromeric instability-facial anomalies syndrome 1 (ICF1). Identifiers: Orphanet 2268, MedGen C4551557, MONDO:0009454, OMIM 242860.

Allele frequency attached by ClinVar (database versions not stated): gnomAD exomes below 0.00001 and 0.00001; TOPMed below 0.00001.
gnomAD v4.1: 15 of 1,614,168 alleles (0.00093%); highest among the groups gnomAD compares: Non-Finnish European, 0.0012%; no homozygotes.

Submissions (2):

Women's Health and Genetics/Laboratory Corporation of America, LabCorp
Classification: Likely pathogenic for Immunodeficiency-centromeric instability-facial anomalies syndrome 1. Last evaluated: 2026-03-25. Review status: criteria provided, single submitter. Criteria: LabCorp Variant Classification Summary - May 2015. Collection method: clinical testing. Allele origin: germline.
Comment: Variant summary: DNMT3B c.1838T>C (p.Val613Ala) results in a non-conservative amino acid change in the encoded protein sequence. Algorithms developed to predict the effect of missense changes on protein structure and function all suggest that this variant is likely to be disruptive. The variant allele was found at a frequency of 4e-06 in 251496 control chromosomes. c.1838T>C has been observed in multiple compound heterozygous individuals affected with ICF Syndrome, Type 1 (e.g. Hagleitner_2008, Velasco_2018, Gennery_2007, Quinn_2020, Internal data). These data indicate that the variant is likely to be associated with disease. To our knowledge, no experimental evidence demonstrating an impact on protein function has been reported. The following publications have been ascertained in the context of this evaluation (PMID: 17908720, 17893117, 32462469, 24742017). ClinVar contains an entry for this variant (Variation ID: 952837). Based on the evidence outlined above, the variant was classified as likely pathogenic.

Labcorp Genetics (formerly Invitae), Labcorp
Classification: Pathogenic for Centromeric instability of chromosomes 1,9 and 16 and immunodeficiency. Last evaluated: 2023-08-31. Review status: criteria provided, single submitter. Criteria: Invitae Variant Classification Sherloc (09022015). Collection method: clinical testing. Allele origin: germline.
Comment: ClinVar contains an entry for this variant (Variation ID: 952837). For these reasons, this variant has been classified as Pathogenic. Advanced modeling of protein sequence and biophysical properties (such as structural, functional, and spatial information, amino acid conservation, physicochemical variation, residue mobility, and thermodynamic stability) performed at Invitae indicates that this missense variant is expected to disrupt DNMT3B protein function. This variant is also known as p.Val605Ala. This missense change has been observed in individual(s) with immunodeficiency, centromeric instability and facial anomalies (ICF) syndrome (PMID: 17893117, 17908720; Invitae). In at least one individual the data is consistent with being in trans (on the opposite chromosome) from a pathogenic variant. This variant is not present in population databases (gnomAD no frequency). This sequence change replaces valine, which is neutral and non-polar, with alanine, which is neutral and non-polar, at codon 613 of the DNMT3B protein (p.Val613Ala).

Literature cited by the submitters: PubMed 17893117 (cited by Women's Health and Genetics/Laboratory Corporation of America, LabCorp and Labcorp Genetics (formerly Invitae), Labcorp); PubMed 24742017 (cited by Women's Health and Genetics/Laboratory Corporation of America, LabCorp); PubMed 17908720 (cited by Women's Health and Genetics/Laboratory Corporation of America, LabCorp and Labcorp Genetics (formerly Invitae), Labcorp); PubMed 32462469 (cited by Women's Health and Genetics/Laboratory Corporation of America, LabCorp).